The following is an entry in ClinVar:

ClinVar aggregate classification (germline): Benign (0 of 4 stars; one submission).

Conditions:
PATL2-related disorder. Also called: PATL2-related condition.

Allele frequency attached by ClinVar (database versions not stated): 1000 Genomes Project 30x 0.00031; 1000 Genomes Project 0.00040; gnomAD 0.00048; gnomAD exomes 0.00058; TOPMed 0.00059; ESP Exome Variant Server 0.00132; ExAC 0.00156.
gnomAD v4.1: 944 of 1,551,672 alleles (0.061%); highest among the groups gnomAD compares: Middle Eastern, 0.43%; 2 homozygotes.

Submission:

PreventionGenetics, part of Exact Sciences
Classification: Benign for PATL2-related condition. Last evaluated: 2019-09-23. Review status: no assertion criteria provided. Collection method: clinical testing. Allele origin: germline.
Comment: This variant is classified as benign based on ACMG/AMP sequence variant interpretation guidelines (Richards et al. 2015 PMID: 25741868, with internal and published modifications).

NM_001387263.1(PATL2):c.814G>A (p.Val272Met)

Gene: PATL2 (PAT1 homolog 2; minus strand). Cytogenetic location: 15q21.1.
Variant type: single nucleotide variant.
Coding change: c.814G>A on transcript NM_001387263.1 (MANE Select); coding-DNA position 814, G replaced by A.
Protein change: p.Val272Met; replaces valine 272 with methionine.
Molecular consequence: missense variant.
Genome position (GRCh38, 1-based): chr15:44,669,839, C>T on the plus strand (G>A on the coding strand, the complement: PATL2 is on the minus strand). VCF-style: chr15-44669839-C-T. GRCh37 (hg19) VCF-style: chr15-44962037-C-T.
Other names: c.814G>A, p.Val272Met (NM_001145112.2, NM_001387261.1, NM_001387262.1); c.247G>A, p.Val83Met (NM_001330283.2); c.721G>A, p.Val241Met (NM_001387260.1, NM_001387264.1); short protein forms V272M, V83M, V241M.
Identifiers: ClinVar variation 981145 (VCV000981145.2), dbSNP rs140098598, ClinGen allele CA7536115.